The following is an entry in ClinVar:

ClinVar aggregate classification (germline): Likely pathogenic (1 of 4 stars; one submission).

Conditions:
Macrocephaly, dysmorphic facies, and psychomotor retardation (MDFPMR). Identifiers: Orphanet 457359, MedGen C4310766, MONDO:0014863, OMIM 617011.

Submission:

Laboratorio de Genetica e Diagnostico Molecular, Hospital Israelita Albert Einstein
Classification: Likely pathogenic for Macrocephaly, dysmorphic facies, and psychomotor retardation. Last evaluated: 2022-11-04. Review status: criteria provided, single submitter. Criteria: ACMG Guidelines, 2015. Collection method: clinical testing. Allele origin: germline. Affected: yes. Observed: 1 variant allele.
Comment: ACMG classification criteria: PVS1 very strong, PM2 moderated

NM_003922.4(HERC1):c.13153del (p.Gln4385fs)

Gene: HERC1 (HECT and RLD domain containing E3 ubiquitin protein ligase family member 1; minus strand). Cytogenetic location: 15q22.31.
Variant type: Deletion.
Coding change: c.13153del on transcript NM_003922.4 (MANE Select); coding-DNA position 13153, one base deleted (C; older notation c.13153delC).
Protein change: p.Gln4385fs; shifts the reading frame from glutamine 4385.
Molecular consequence: frameshift variant.
Genome position (GRCh38, 1-based): chr15:63,626,107, G deleted on the plus strand (C on the coding strand, the reverse complement: HERC1 is on the minus strand); the first of 7 consecutive G bases (chr15:63,626,107-63,626,113); deleting any one gives the same sequence. VCF-style (leftmost placement, unchanged base first): chr15-63626106-TG-T. GRCh37 (hg19) VCF-style: chr15-63918305-TG-T.
Other names: short protein forms Q4385fs.
Identifiers: ClinVar variation 2431461 (VCV002431461.1), dbSNP rs772789325, ClinGen allele CA645588239.